The following is an entry in ClinVar:

ClinVar aggregate classification (germline): Uncertain significance. Review status: criteria provided, multiple submitters, no conflicts (2 of 4 stars). 2 submissions from 2 submitters: Uncertain significance (2). Last evaluated 2024-01-23.

Allele frequency attached by ClinVar (database versions not stated): gnomAD 0.00001; gnomAD exomes 0.00002; ExAC 0.00018.

Submissions (2):

Blueprint Genetics
Classification: Uncertain significance. Last evaluated: 2024-01-23. Review status: criteria provided, single submitter. Criteria: ACMG Guidelines, 2015. Collection method: clinical testing. Allele origin: germline.

Labcorp Genetics (formerly Invitae), Labcorp
Classification: Uncertain significance. Last evaluated: 2022-09-21. Review status: criteria provided, single submitter. Criteria: Invitae Variant Classification Sherloc (09022015). Collection method: clinical testing. Allele origin: germline.
Comment: In summary, the available evidence is currently insufficient to determine the role of this variant in disease. Therefore, it has been classified as a Variant of Uncertain Significance. Algorithms developed to predict the effect of missense changes on protein structure and function are either unavailable or do not agree on the potential impact of this missense change (SIFT: "Tolerated"; PolyPhen-2: "Possibly Damaging"; Align-GVGD: "Class C0"). This variant has not been reported in the literature in individuals affected with RAX2-related conditions. This variant is present in population databases (rs776155252, gnomAD 0.02%). This sequence change replaces glutamic acid, which is acidic and polar, with lysine, which is basic and polar, at codon 102 of the RAX2 protein (p.Glu102Lys).

NM_001319074.4(RAX2):c.304G>A (p.Glu102Lys)

Gene: RAX2 (retina and anterior neural fold homeobox 2; minus strand). Cytogenetic location: 19p13.3.
Variant type: single nucleotide variant.
Coding change: c.304G>A on transcript NM_001319074.4 (MANE Select); coding-DNA position 304, G replaced by A.
Protein change: p.Glu102Lys; replaces glutamic acid 102 with lysine.
Molecular consequence: missense variant.
Genome position (GRCh38, 1-based): chr19:3,770,872, C>T on the plus strand (G>A on the coding strand, the complement: RAX2 is on the minus strand). VCF-style: chr19-3770872-C-T. GRCh37 (hg19) VCF-style: chr19-3770870-C-T.
Other names: c.304G>A, p.Glu102Lys (NM_032753.4); short protein forms E102K.
Identifiers: ClinVar variation 2128977 (VCV002128977.5), dbSNP rs776155252, ClinGen allele CA9085051.
Genomic context (GRCh38, chr19:3,770,872, plus strand): 5'-ACCAGGGCTCCAGGGGCAGCGACATGGCCGGGGGGCGGGCGAACGGCAGCGCTGGGGCCT[C>T]GGGGAGTCTCGGAGCTGCCACGGCACCCGAGCCTGACTCCAGCCGCTCCTGGCGGCGCCA-3'
Protein context (NP_001306003.2, residues 92-112): SGAVAAPRLP[Glu102Lys]APALPFARPP